The following is an entry in ClinVar:

ClinVar aggregate classification (germline): Uncertain significance (1 of 4 stars; one submission).

Submission:

GeneDx
Classification: Uncertain significance. Last evaluated: 2025-04-07. Review status: criteria provided, single submitter. Criteria: GeneDx Variant Classification Process June 2021. Collection method: clinical testing. Allele origin: germline. Affected: yes.
Comment: Not observed at significant frequency in large population cohorts (gnomAD); In silico analysis supports that this missense variant has a deleterious effect on protein structure/function; Has not been previously published as pathogenic or benign to our knowledge

NM_000701.8(ATP1A1):c.1735C>G (p.Pro579Ala)

Genes: ATP1A1 (ATPase Na+/K+ transporting subunit alpha 1; plus strand), ATP1A1-AS1 (ATP1A1 antisense RNA 1; minus strand). Cytogenetic location: 1p13.1.
Variant type: single nucleotide variant.
Coding change: c.1735C>G on transcript NM_000701.8 (MANE Select); coding-DNA position 1735, C replaced by G.
Protein change: p.Pro579Ala; replaces proline 579 with alanine.
Molecular consequence: missense variant.
Genome position (GRCh38, 1-based): chr1:116,395,184, C>G. VCF-style: chr1-116395184-C-G. GRCh37 (hg19) VCF-style: chr1-116937806-C-G.
Other names: c.1735C>G, p.Pro579Ala (NM_001160233.2); c.1642C>G, p.Pro548Ala (NM_001160234.2); short protein forms P548A, P579A.
Identifiers: ClinVar variation 4281740 (VCV004281740.1).